The following is an entry in ClinVar:

ClinVar aggregate classification (germline): Uncertain significance (1 of 4 stars; one submission).

Conditions:
Cerebral creatine deficiency syndrome. Also called: Creatine deficiency syndromes. Identifiers: Orphanet 79172, MedGen C5244016, MONDO:0000456.

Submission:

Labcorp Genetics (formerly Invitae), Labcorp
Classification: Uncertain significance for Cerebral creatine deficiency syndrome. Last evaluated: 2022-02-02. Review status: criteria provided, single submitter. Criteria: Invitae Variant Classification Sherloc (09022015). Collection method: clinical testing. Allele origin: germline.
Comment: In summary, the available evidence is currently insufficient to determine the role of this variant in disease. Therefore, it has been classified as a Variant of Uncertain Significance. Algorithms developed to predict the effect of missense changes on protein structure and function (SIFT, PolyPhen-2, Align-GVGD) all suggest that this variant is likely to be tolerated. This variant has not been reported in the literature in individuals affected with GAMT-related conditions. This variant is not present in population databases (gnomAD no frequency). This sequence change replaces asparagine, which is neutral and polar, with serine, which is neutral and polar, at codon 206 of the GAMT protein (p.Asn206Ser).

NM_000156.6(GAMT):c.617A>G (p.Asn206Ser)

Gene: GAMT (guanidinoacetate N-methyltransferase; minus strand). Cytogenetic location: 19p13.3.
Variant type: single nucleotide variant.
Coding change: c.617A>G on transcript NM_000156.6 (MANE Select); coding-DNA position 617, A replaced by G.
Protein change: p.Asn206Ser; replaces asparagine 206 with serine.
Molecular consequence: missense variant.
Genome position (GRCh38, 1-based): chr19:1,397,453, T>C on the plus strand (A>G on the coding strand, the complement: GAMT is on the minus strand). VCF-style: chr19-1397453-T-C. GRCh37 (hg19) VCF-style: chr19-1397452-T-C.
Other names: short protein forms N206S.
Identifiers: ClinVar variation 2092122 (VCV002092122.2), dbSNP rs2512221377, ClinGen allele CA402990809.